The following is an entry in ClinVar:

ClinVar aggregate classification (germline): Uncertain significance (1 of 4 stars; one submission).

Conditions:
Focal segmental glomerulosclerosis 5 (FSGS5). Identifiers: Orphanet 656, MedGen C2750475, MONDO:0013191, OMIM 613237.
Charcot-Marie-Tooth disease dominant intermediate E. Also called: CHARCOT-MARIE-TOOTH NEUROPATHY WITH FOCAL SEGMENTAL GLOMERULONEPHRITIS. Identifiers: Orphanet 93114, MedGen C4302667, MONDO:0013758, OMIM 614455.

Allele frequency attached by ClinVar (database versions not stated): gnomAD exomes 0.00001.

Submission:

Labcorp Genetics (formerly Invitae), Labcorp
Classification: Uncertain significance for Charcot-Marie-Tooth disease dominant intermediate E; Focal segmental glomerulosclerosis 5. Last evaluated: 2021-11-10. Review status: criteria provided, single submitter. Criteria: Invitae Variant Classification Sherloc (09022015). Collection method: clinical testing. Allele origin: germline.
Comment: This sequence change replaces proline, which is neutral and non-polar, with threonine, which is neutral and polar, at codon 472 of the INF2 protein (p.Pro472Thr). The frequency data for this variant in the population databases is considered unreliable, as metrics indicate poor data quality at this position in the gnomAD database. This variant has not been reported in the literature in individuals affected with INF2-related conditions. Algorithms developed to predict the effect of missense changes on protein structure and function are either unavailable or do not agree on the potential impact of this missense change (SIFT: "Tolerated"; PolyPhen-2: "Not Available"; Align-GVGD: "Class C0"). In summary, the available evidence is currently insufficient to determine the role of this variant in disease. Therefore, it has been classified as a Variant of Uncertain Significance.

NM_022489.4(INF2):c.1414C>A (p.Pro472Thr)

Gene: INF2 (inverted formin 2; plus strand). Cytogenetic location: 14q32.33.
Variant type: single nucleotide variant.
Coding change: c.1414C>A on transcript NM_022489.4 (MANE Select); coding-DNA position 1414, C replaced by A.
Protein change: p.Pro472Thr; replaces proline 472 with threonine.
Molecular consequence: missense variant.
Genome position (GRCh38, 1-based): chr14:104,707,681, C>A. VCF-style: chr14-104707681-C-A. GRCh37 (hg19) VCF-style: chr14-105174018-C-A.
Other names: c.1414C>A, p.Pro472Thr (NM_001031714.4); short protein forms P472T.
Identifiers: ClinVar variation 1393460 (VCV001393460.6), dbSNP rs1316096936, ClinGen allele CA391216926.